The following is an entry in ClinVar:

ClinVar aggregate classification (germline): Uncertain significance. Review status: criteria provided, multiple submitters, no conflicts (2 of 4 stars). 2 submissions from 2 submitters: Uncertain significance (2). Last evaluated 2024-10-24.

Conditions:
Inborn genetic diseases. Identifiers: MedGen C0950123, MeSH D030342.

Allele frequency attached by ClinVar (database versions not stated): TOPMed 0.00001.
gnomAD v4.1: 6 of 1,613,104 alleles (0.00037%); highest among the groups gnomAD compares: Middle Eastern, 0.016%; no homozygotes.

Submissions (2):

Ambry Genetics
Classification: Uncertain significance for Inborn genetic diseases. Last evaluated: 2024-10-24. Review status: criteria provided, single submitter. Criteria: Ambry Variant Classification Scheme 2023. Collection method: clinical testing. Allele origin: germline.

GeneDx
Classification: Uncertain significance. Last evaluated: 2020-02-06. Review status: criteria provided, single submitter. Criteria: GeneDx Variant Classification Process June 2021. Collection method: clinical testing. Allele origin: germline. Affected: yes.
Comment: Not observed in large population cohorts (Lek et al., 2016); In silico analysis supports that this missense variant does not alter protein structure/function; Has not been previously published as pathogenic or benign to our knowledge

NM_003995.4(NPR2):c.173G>C (p.Arg58Pro)

Gene: NPR2 (natriuretic peptide receptor 2; plus strand). Cytogenetic location: 9p13.3.
Variant type: single nucleotide variant.
Coding change: c.173G>C on transcript NM_003995.4 (MANE Select); coding-DNA position 173, G replaced by C.
Protein change: p.Arg58Pro; replaces arginine 58 with proline.
Molecular consequence: missense variant.
Genome position (GRCh38, 1-based): chr9:35,792,581, G>C. VCF-style: chr9-35792581-G-C. GRCh37 (hg19) VCF-style: chr9-35792578-G-C.
Other names: c.173G>C, p.Arg58Pro (NM_001378923.1); short protein forms R58P.
Identifiers: ClinVar variation 450409 (VCV000450409.5), dbSNP rs752540860, ClinGen allele CA192760671.